The following is an entry in ClinVar:

NM_005097.4(LGI1):c.887A>G (p.Tyr296Cys)

Gene: LGI1 (leucine rich glioma inactivated 1; plus strand). Cytogenetic location: 10q23.33.
Variant type: single nucleotide variant.
Coding change: c.887A>G on transcript NM_005097.4 (MANE Select); coding-DNA position 887, A replaced by G.
Protein change: p.Tyr296Cys; replaces tyrosine 296 with cysteine.
Molecular consequence: missense variant. On other transcripts: non-coding transcript variant (1), intron variant (1).
Genome position (GRCh38, 1-based): chr10:93,797,016, A>G. VCF-style: chr10-93797016-A-G. GRCh37 (hg19) VCF-style: chr10-95556773-A-G.
Other names: c.743A>G, p.Tyr248Cys (NM_001308276.2); c.839-733A>G (NM_001308275.2); short protein forms Y248C, Y296C.
Identifiers: ClinVar variation 1354931 (VCV001354931.8), dbSNP rs1434032341, ClinGen allele CA377626331.

ClinVar aggregate classification (germline): Uncertain significance (1 of 4 stars; one submission).

Conditions:
Autosomal dominant epilepsy with auditory features. Identifiers: Orphanet 101046, MedGen C1838062, MONDO:0010898.

Allele frequency attached by ClinVar (database versions not stated): gnomAD exomes 0.00001.
gnomAD v4.1: 20 of 1,614,082 alleles (0.0012%); highest among the groups gnomAD compares: Non-Finnish European, 0.0014%; no homozygotes.

Submission:

Labcorp Genetics (formerly Invitae), Labcorp
Classification: Uncertain significance for Autosomal dominant epilepsy with auditory features. Last evaluated: 2025-07-21. Review status: criteria provided, single submitter. Criteria: Invitae Variant Classification Sherloc (09022015). Collection method: clinical testing. Allele origin: germline.
Comment: This sequence change replaces tyrosine, which is neutral and polar, with cysteine, which is neutral and slightly polar, at codon 296 of the LGI1 protein (p.Tyr296Cys). This variant is present in population databases (no rsID available, gnomAD 0.0009%). This variant has not been reported in the literature in individuals affected with LGI1-related conditions. ClinVar contains an entry for this variant (Variation ID: 1354931). Invitae Evidence Modeling of protein sequence and biophysical properties (such as structural, functional, and spatial information, amino acid conservation, physicochemical variation, residue mobility, and thermodynamic stability) indicates that this missense variant is not expected to disrupt LGI1 protein function with a negative predictive value of 80%. In summary, the available evidence is currently insufficient to determine the role of this variant in disease. Therefore, it has been classified as a Variant of Uncertain Significance.